The following is an entry in ClinVar:

NM_182961.4(SYNE1):c.5951A>G (p.Gln1984Arg)

Gene: SYNE1 (spectrin repeat containing nuclear envelope protein 1; minus strand). Cytogenetic location: 6q25.2.
Variant type: single nucleotide variant.
Coding change: c.5951A>G on transcript NM_182961.4 (MANE Select); coding-DNA position 5951, A replaced by G.
Protein change: p.Gln1984Arg; replaces glutamine 1984 with arginine.
Molecular consequence: missense variant.
Genome position (GRCh38, 1-based): chr6:152,416,486, T>C on the plus strand (A>G on the coding strand, the complement: SYNE1 is on the minus strand). VCF-style: chr6-152416486-T-C. GRCh37 (hg19) VCF-style: chr6-152737621-T-C.
Other names: c.5972A>G, p.Gln1991Arg (NM_033071.5); short protein forms Q1991R, Q1984R.
Identifiers: ClinVar variation 2005478 (VCV002005478.4), dbSNP rs2496895480, ClinGen allele CA366131590.
Genomic context (GRCh38, chr6:152,416,486, plus strand): 5'-TCTTTGTCAGTCCTTTCTTCAATGTCCTCAATGCTTTTCAGAAGCTCCTCTTTCTGGTCT[T>C]GGAATGCTTTTTTCAACACTGCCAGAGCATCTGCCTCACTCTGCTTGGTTCCCAGAAGGT-3'
Protein context (NP_892006.3, residues 1974-1994): DALAVLKKAF[Gln1984Arg]DQKEELLKSI

ClinVar aggregate classification (germline): Uncertain significance (1 of 4 stars; one submission).

Conditions:
Autosomal recessive ataxia, Beauce type. Also called: SYNE1 Deficiency; Spinocerebellar ataxia, autosomal recessive 8; ATAXIA, RECESSIVE, OF BEAUCE; SYNE1-Related Autosomal Recessive Cerebellar Ataxia. Identifiers: Orphanet 88644, MedGen C1853116, MONDO:0012549, OMIM 610743.
Emery-Dreifuss muscular dystrophy 4, autosomal dominant (EDMD4). Also called: EMERY-DREIFUSS MUSCULAR DYSTROPHY 4 WITH VARIABLE FEATURES. Identifiers: Orphanet 261, MedGen C2751807, MONDO:0013071, OMIM 612998.

Submission:

Labcorp Genetics (formerly Invitae), Labcorp
Classification: Uncertain significance for Emery-Dreifuss muscular dystrophy 4, autosomal dominant; Autosomal recessive ataxia, Beauce type. Last evaluated: 2025-01-06. Review status: criteria provided, single submitter. Criteria: Invitae Variant Classification Sherloc (09022015). Collection method: clinical testing. Allele origin: germline.
Comment: This sequence change replaces glutamine, which is neutral and polar, with arginine, which is basic and polar, at codon 1991 of the SYNE1 protein (p.Gln1991Arg). This variant is not present in population databases (gnomAD no frequency). This variant has not been reported in the literature in individuals affected with SYNE1-related conditions. ClinVar contains an entry for this variant (Variation ID: 2005478). An algorithm developed to predict the effect of missense changes on protein structure and function outputs the following: PolyPhen-2: "Benign". The arginine amino acid residue is found in multiple mammalian species, which suggests that this missense change does not adversely affect protein function. In summary, the available evidence is currently insufficient to determine the role of this variant in disease. Therefore, it has been classified as a Variant of Uncertain Significance.